The following is an entry in ClinVar:

NM_000027.4(AGA):c.623-3T>C

Gene: AGA (aspartylglucosaminidase; minus strand). Cytogenetic location: 4q34.3.
Variant type: single nucleotide variant.
Coding change: c.623-3T>C on transcript NM_000027.4 (MANE Select); 3 bases into the intron before coding-DNA position 623, T replaced by C.
Molecular consequence: intron variant.
Genome position (GRCh38, 1-based): chr4:177,436,354, A>G on the plus strand (T>C on the coding strand, the complement: AGA is on the minus strand). VCF-style: chr4-177436354-A-G. GRCh37 (hg19) VCF-style: chr4-178357508-A-G.
Other names: c.623-3T>C (NM_001171988.2).
Identifiers: ClinVar variation 1931736 (VCV001931736.3), dbSNP rs373612365, ClinGen allele CA3146860.

ClinVar aggregate classification (germline): Conflicting classifications of pathogenicity. Review status: criteria provided, conflicting classifications (1 of 4 stars). 2 submissions from 2 submitters: Uncertain significance (1); Likely benign (1). Last evaluated 2024-10-28.

Conditions:
Aspartylglucosaminuria (AGU). Also called: AGA DEFICIENCY; GLYCOASPARAGINASE; GLYCOSYLASPARAGINASE DEFICIENCY; Aspartylglucos-aminuria; Aspartylglucos-amidase (AGA) deficiency. Identifiers: Orphanet 93, MedGen C0268225, MONDO:0008830, OMIM 208400, HP:0012068.

Allele frequency attached by ClinVar (database versions not stated): ExAC 0.00001; gnomAD exomes 0.00001; ESP Exome Variant Server 0.00008.

Submissions (2):

Blueprint Genetics
Classification: Likely benign. Last evaluated: 2024-10-28. Review status: criteria provided, single submitter. Criteria: ACMG Guidelines, 2015. Collection method: clinical testing. Allele origin: germline.

Labcorp Genetics (formerly Invitae), Labcorp
Classification: Uncertain significance for Aspartylglucosaminuria. Last evaluated: 2022-07-19. Review status: criteria provided, single submitter. Criteria: Invitae Variant Classification Sherloc (09022015). Collection method: clinical testing. Allele origin: germline.
Comment: This sequence change falls in intron 5 of the AGA gene. It does not directly change the encoded amino acid sequence of the AGA protein. It affects a nucleotide within the consensus splice site. The frequency data for this variant in the population databases is considered unreliable, as metrics indicate poor data quality at this position in the gnomAD database. This variant has not been reported in the literature in individuals affected with AGA-related conditions. Variants that disrupt the consensus splice site are a relatively common cause of aberrant splicing (PMID: 17576681, 9536098). Algorithms developed to predict the effect of sequence changes on RNA splicing suggest that this variant is not likely to affect RNA splicing. In summary, the available evidence is currently insufficient to determine the role of this variant in disease. Therefore, it has been classified as a Variant of Uncertain Significance.

Literature cited by the submitters: PubMed 17576681 (cited by Labcorp Genetics (formerly Invitae), Labcorp); PubMed 9536098 (cited by Labcorp Genetics (formerly Invitae), Labcorp).